The following is an entry in ClinVar:

ClinVar aggregate classification (germline): Likely pathogenic (1 of 4 stars; one submission).

Conditions:
Junctional epidermolysis bullosa gravis of Herlitz. Also called: Herlitz-type junctional epidermolysis bullosa; Epidermolysis Bullosa Letalis; EPIDERMOLYSIS BULLOSA, JUNCTIONAL 1B, SEVERE; EPIDERMOLYSIS BULLOSA JUNCTIONALIS, HERLITZ TYPE; EPIDERMOLYSIS BULLOSA, JUNCTIONAL, HERLITZ-PEARSON TYPE; JEB-HERLITZ TYPE. Identifiers: Orphanet 79404, MedGen C0079683, MONDO:0009182, OMIM 226700.

Submission:

Myriad Genetics, Inc.
Classification: Likely pathogenic for Junctional epidermolysis bullosa gravis of Herlitz. Last evaluated: 2019-10-20. Review status: criteria provided, single submitter. Criteria: Myriad Women's Health Autosomal Recessive and X-Linked Classification Criteria (2019). Collection method: clinical testing. Allele origin: unknown.
Comment: NM_000228.2(LAMB3):c.3055C>T(Q1019*) is expected to be pathogenic in the context of Herlitz junctional epidermolysis bullosa, LAMB3-related. This variant is predicted to lead to an abnormal or absent protein product due to the creation of a premature termination codon in LAMB3, a gene where loss-of-function variants are known to be pathogenic. Please note: this variant was assessed in the context of healthy population screening.

NM_000228.3(LAMB3):c.3055C>T (p.Gln1019Ter)

Gene: LAMB3 (laminin subunit beta 3; minus strand). Cytogenetic location: 1q32.2.
Variant type: single nucleotide variant.
Coding change: c.3055C>T on transcript NM_000228.3 (MANE Select); coding-DNA position 3055, C replaced by T.
Protein change: p.Gln1019Ter; replaces glutamine 1019 with a stop codon.
Molecular consequence: nonsense.
Genome position (GRCh38, 1-based): chr1:209,617,583, G>A on the plus strand (C>T on the coding strand, the complement: LAMB3 is on the minus strand). VCF-style: chr1-209617583-G-A. GRCh37 (hg19) VCF-style: chr1-209790928-G-A.
Other names: c.3055C>T, p.Gln1019Ter (NM_001017402.2, NM_001127641.1); short protein forms Q1019*.
Identifiers: ClinVar variation 983935 (VCV000983935.3), dbSNP rs1666017894, ClinGen allele CA344584477.